The following is an entry in ClinVar:

ClinVar aggregate classification (germline): Uncertain significance. Review status: criteria provided, multiple submitters, no conflicts (2 of 4 stars). 4 submissions from 4 submitters: Uncertain significance (4). Last evaluated 2026-05-13.

Conditions:
Cardiovascular phenotype. Identifiers: MedGen CN230736.
Dilated cardiomyopathy 1W (CMD1W). Identifiers: Orphanet 154, MedGen C1969639, MONDO:0012667, OMIM 611407.
VCL-related disorder. Also called: VCL-related condition.
Hypertrophic cardiomyopathy 15. Identifiers: MedGen C2750459, MONDO:0013200, OMIM 613255.

Allele frequency attached by ClinVar (database versions not stated): ExAC 0.00001; gnomAD 0.00001; gnomAD exomes 0.00001; TOPMed 0.00001; ESP Exome Variant Server 0.00008.
gnomAD v4.1: 19 of 1,614,066 alleles (0.0012%); highest among the groups gnomAD compares: East Asian, 0.0045%; no homozygotes.

Submissions (4):

PreventionGenetics, part of Exact Sciences
Classification: Uncertain significance for VCL-related condition. Last evaluated: 2026-05-13. Review status: criteria provided, single submitter. Criteria: ACMG Guidelines, 2015. Collection method: clinical testing. Allele origin: germline.
Comment: The VCL c.1435C>T variant is predicted to result in the amino acid substitution p.Arg479Trp. To our knowledge, this variant has not been reported in the literature. This variant is reported in 0.0054% of alleles in individuals of East Asian descent in gnomAD. At this time, the clinical significance of this variant is uncertain due to the absence of conclusive functional and genetic evidence.

Labcorp Genetics (formerly Invitae), Labcorp
Classification: Uncertain significance for Dilated cardiomyopathy 1W. Last evaluated: 2026-01-05. Review status: criteria provided, single submitter. Criteria: Invitae Variant Classification Sherloc (09022015). Collection method: clinical testing. Allele origin: germline.
Comment: This sequence change replaces arginine, which is basic and polar, with tryptophan, which is neutral and slightly polar, at codon 479 of the VCL protein (p.Arg479Trp). This variant is present in population databases (rs369055603, gnomAD 0.003%). This variant has not been reported in the literature in individuals affected with VCL-related conditions. ClinVar contains an entry for this variant (Variation ID: 847211). An algorithm developed to predict the effect of missense changes on protein structure and function (PolyPhen-2) suggests that this variant is likely to be disruptive. In summary, the available evidence is currently insufficient to determine the role of this variant in disease. Therefore, it has been classified as a Variant of Uncertain Significance.

Ambry Genetics
Classification: Uncertain significance for Cardiovascular phenotype. Last evaluated: 2025-06-20. Review status: criteria provided, single submitter. Criteria: Ambry Variant Classification Scheme 2023. Collection method: clinical testing. Allele origin: germline.
Comment: The p.R479W variant (also known as c.1435C>T), located in coding exon 11 of the VCL gene, results from a C to T substitution at nucleotide position 1435. The arginine at codon 479 is replaced by tryptophan, an amino acid with dissimilar properties. This amino acid position is well conserved in available vertebrate species. In addition, the in silico prediction for this alteration is inconclusive. Since supporting evidence is limited at this time, the clinical significance of this alteration remains unclear.

Fulgent Genetics
Classification: Uncertain significance for Dilated cardiomyopathy 1W; Hypertrophic cardiomyopathy 15. Last evaluated: 2021-10-13. Review status: criteria provided, single submitter. Criteria: ACMG Guidelines, 2015. Collection method: clinical testing. Allele origin: unknown.

NM_014000.3(VCL):c.1435C>T (p.Arg479Trp)

Gene: VCL (vinculin; plus strand). Cytogenetic location: 10q22.2.
Variant type: single nucleotide variant.
Coding change: c.1435C>T on transcript NM_014000.3 (MANE Select); coding-DNA position 1435, C replaced by T.
Protein change: p.Arg479Trp; replaces arginine 479 with tryptophan.
Molecular consequence: missense variant.
Genome position (GRCh38, 1-based): chr10:74,094,353, C>T. VCF-style: chr10-74094353-C-T. GRCh37 (hg19) VCF-style: chr10-75854111-C-T.
Other names: c.1435C>T, p.Arg479Trp (NM_003373.4); short protein forms R479W.
Identifiers: ClinVar variation 847211 (VCV000847211.14), dbSNP rs369055603, ClinGen allele CA5563009.